The following is an entry in ClinVar:

NM_001851.6(COL9A1):c.2172A>G (p.Gly724=)

Gene: COL9A1 (collagen type IX alpha 1 chain; minus strand). Cytogenetic location: 6q13.
Variant type: single nucleotide variant.
Coding change: c.2172A>G on transcript NM_001851.6 (MANE Select); coding-DNA position 2172, A replaced by G.
Protein change: p.Gly724=; no amino-acid change (glycine 724 retained).
Molecular consequence: synonymous variant. On other transcripts: non-coding transcript variant (1), intron variant (1).
Genome position (GRCh38, 1-based): chr6:70,234,881, T>C on the plus strand (A>G on the coding strand, the complement: COL9A1 is on the minus strand). VCF-style: chr6-70234881-T-C. GRCh37 (hg19) VCF-style: chr6-70944584-T-C.
Other names: c.1473A>G, p.Gly491= (NM_001377289.1); c.1443A>G, p.Gly481= (NM_078485.4); c.1384-288A>G (NM_001377290.1).
Identifiers: ClinVar variation 4996619 (VCV004996619.1).
Genomic context (GRCh38, chr6:70,234,881, plus strand): 5'-GGTGGCACCCTGTTCTCCCTGCACACCCCGGGGTCCAGGTGGTCCTCTTGGTCCTTCCAC[T>C]CCAGGAAGCCCCCGACTTCCCTCAGGCCCTCTCAAGCCAGGTTCCCCAGGATTACCTGCC-3'
Protein context (NP_001842.3, residues 714-734): RGPEGSRGLP[Gly724=]VEGPRGPPGP

ClinVar aggregate classification (germline): Likely benign (1 of 4 stars; one submission).

Conditions:
COL9A1-related disorder. Also called: COL9A1-related condition; COL9A1-related disorders.

gnomAD v4.1: 1 of 1,614,094 alleles (0.000062%); no homozygotes.

Submission:

PreventionGenetics, part of Exact Sciences
Classification: Likely benign for COL9A1-related condition. Last evaluated: 2026-07-02. Review status: criteria provided, single submitter. Criteria: ACMG Guidelines, 2015. Collection method: clinical testing. Allele origin: germline.
Comment: This variant is classified as likely benign based on ACMG/AMP sequence variant interpretation guidelines (Richards et al. 2015 PMID: 25741868, with internal and published modifications).